The following is an entry in ClinVar:

NM_000038.6(APC):c.5789A>G (p.Gln1930Arg)

Gene: APC (APC regulator of Wnt signaling pathway; plus strand). Cytogenetic location: 5q22.2.
Variant type: single nucleotide variant.
Coding change: c.5789A>G on transcript NM_000038.6 (MANE Select); coding-DNA position 5789, A replaced by G.
Protein change: p.Gln1930Arg; replaces glutamine 1930 with arginine.
Molecular consequence: missense variant.
Genome position (GRCh38, 1-based): chr5:112,841,383, A>G. VCF-style: chr5-112841383-A-G. GRCh37 (hg19) VCF-style: chr5-112177080-A-G.
Other names: c.5789A>G, p.Gln1930Arg (NM_001127510.3, NM_001354895.2); c.5735A>G, p.Gln1912Arg (NM_001127511.3); c.5843A>G, p.Gln1948Arg (NM_001354896.2); c.5819A>G, p.Gln1940Arg (NM_001354897.2); c.5714A>G, p.Gln1905Arg (NM_001354898.2); c.5705A>G, p.Gln1902Arg (NM_001354899.2); c.5666A>G, p.Gln1889Arg (NM_001354900.2); c.5612A>G, p.Gln1871Arg (NM_001354901.2); and 5 more; short protein forms Q1930R, Q1912R, Q1804R, Q1871R, Q1770R, Q1902R, Q1829R, Q1905R.
Identifiers: ClinVar variation 470020 (VCV000470020.12), dbSNP rs879254254, ClinGen allele CA16033998.

ClinVar aggregate classification (germline): Uncertain significance. Review status: criteria provided, multiple submitters, no conflicts (2 of 4 stars). 2 submissions from 2 submitters: Uncertain significance (2). Last evaluated 2026-07-04.

Conditions:
Familial adenomatous polyposis 1 (FAP1). Also called: POLYPOSIS, ADENOMATOUS INTESTINAL; FAMILIAL ADENOMATOUS POLYPOSIS 1, ATTENUATED. Identifiers: MedGen C2713442, MONDO:0021056, OMIM 175100. Disease mechanism: loss of function.
Hereditary cancer-predisposing syndrome. Also called: Neoplastic Syndromes, Hereditary; Hereditary neoplastic syndrome; Hereditary Cancer Syndrome; Tumor predisposition. Identifiers: Orphanet 140162, MedGen C0027672, MeSH D009386, MONDO:0015356.

Allele frequency attached by ClinVar (database versions not stated): gnomAD exomes below 0.00001.
gnomAD v4.1: 3 of 1,613,758 alleles (0.00019%); highest among the groups gnomAD compares: Non-Finnish European, 0.00025%; no homozygotes.

Submissions (2):

Ambry Genetics
Classification: Uncertain significance for Hereditary cancer-predisposing syndrome. Last evaluated: 2026-07-04. Review status: criteria provided, single submitter. Criteria: Ambry Variant Classification Scheme 2023. Collection method: clinical testing. Allele origin: germline.
Comment: The p.Q1930R variant (also known as c.5789A>G), located in coding exon 15 of the APC gene, results from an A to G substitution at nucleotide position 5789. The glutamine at codon 1930 is replaced by arginine, an amino acid with highly similar properties. This amino acid position is conserved. In addition, in silico predictors for this gene do not accurately predict pathogenicity. Based on the available evidence, the clinical significance of this variant remains unclear.

Labcorp Genetics (formerly Invitae), Labcorp
Classification: Uncertain significance for Familial adenomatous polyposis 1. Last evaluated: 2022-01-28. Review status: criteria provided, single submitter. Criteria: Invitae Variant Classification Sherloc (09022015). Collection method: clinical testing. Allele origin: germline.
Comment: ClinVar contains an entry for this variant (Variation ID: 470020). In summary, the available evidence is currently insufficient to determine the role of this variant in disease. Therefore, it has been classified as a Variant of Uncertain Significance. Algorithms developed to predict the effect of missense changes on protein structure and function (SIFT, PolyPhen-2, Align-GVGD) all suggest that this variant is likely to be tolerated. This variant has not been reported in the literature in individuals affected with APC-related conditions. This variant is not present in population databases (gnomAD no frequency). This sequence change replaces glutamine, which is neutral and polar, with arginine, which is basic and polar, at codon 1930 of the APC protein (p.Gln1930Arg).